The following is an entry in ClinVar:

NM_004960.4(FUS):c.238G>A (p.Gly80Ser)

Gene: FUS (FUS RNA binding protein; plus strand). Cytogenetic location: 16p11.2.
Variant type: single nucleotide variant.
Coding change: c.238G>A on transcript NM_004960.4 (MANE Select); coding-DNA position 238, G replaced by A.
Protein change: p.Gly80Ser; replaces glycine 80 with serine.
Molecular consequence: missense variant. On other transcripts: non-coding transcript variant (1).
Genome position (GRCh38, 1-based): chr16:31,183,905, G>A. VCF-style: chr16-31183905-G-A. GRCh37 (hg19) VCF-style: chr16-31195226-G-A.
Other names: c.235G>A, p.Gly79Ser (NM_001170634.1); c.238G>A, p.Gly80Ser (NM_001170937.1); short protein forms G79S, G80S.
Identifiers: ClinVar variation 851344 (VCV000851344.9), dbSNP rs776474571, ClinGen allele CA8023549.
Genomic context (GRCh38, chr16:31,183,905, plus strand): 5'-CTTATCCTGGTAGCAGGCTATGGAACTCAGTCAACTCCCCAGGGATATGGCTCGACTGGC[G>A]GCTATGGCAGTAGCCAGAGCTCCCAATCGTCTTACGGGCAGCAGTCCTCCTACCCTGGCT-3'
Protein context (NP_004951.1, residues 70-90): STPQGYGSTG[Gly80Ser]YGSSQSSQSS

ClinVar aggregate classification (germline): Conflicting classifications of pathogenicity. Review status: criteria provided, conflicting classifications (1 of 4 stars). 2 submissions from 2 submitters: Uncertain significance (1); Likely benign (1). Last evaluated 2024-03-26.

Conditions:
Inborn genetic diseases. Identifiers: MedGen C0950123, MeSH D030342.
Amyotrophic lateral sclerosis type 6. Also called: FUS-Related Amyotrophic Laterial Sclerosis; AMYOTROPHIC LATERAL SCLEROSIS 6 WITHOUT FRONTOTEMPORAL DEMENTIA; Amyotrophic lateral sclerosis 6, with or without frontotemporal dementia. Identifiers: Orphanet 275872, Orphanet 803, MedGen C2931786, MONDO:0011951, OMIM 608030.
Tremor, hereditary essential, 4 (ETM4). Identifiers: MedGen C3539195, MONDO:0013888, OMIM 614782.

Allele frequency attached by ClinVar (database versions not stated): gnomAD 0.00001 and 0.00002; gnomAD exomes 0.00004; ExAC 0.00006.

Submissions (2):

Labcorp Genetics (formerly Invitae), Labcorp
Classification: Uncertain significance for Tremor, hereditary essential, 4; Amyotrophic lateral sclerosis type 6. Last evaluated: 2024-03-26. Review status: criteria provided, single submitter. Criteria: Invitae Variant Classification Sherloc (09022015). Collection method: clinical testing. Allele origin: germline.
Comment: This sequence change replaces glycine, which is neutral and non-polar, with serine, which is neutral and polar, at codon 80 of the FUS protein (p.Gly80Ser). The frequency data for this variant in the population databases is considered unreliable, as metrics indicate poor data quality at this position in the gnomAD database. This missense change has been observed in individual(s) with sporadic frontotemporal dementia (PMID: 31405128). This variant is also known as c.G235A, p.G79S. ClinVar contains an entry for this variant (Variation ID: 851344). Experimental studies and prediction algorithms are not available or were not evaluated, and the functional significance of this variant is currently unknown. In summary, the available evidence is currently insufficient to determine the role of this variant in disease. Therefore, it has been classified as a Variant of Uncertain Significance.

Ambry Genetics
Classification: Likely benign for Inborn genetic diseases. Last evaluated: 2023-08-30. Review status: criteria provided, single submitter. Criteria: Ambry Variant Classification Scheme 2023. Collection method: clinical testing. Allele origin: germline.

Literature cited by the submitters: PubMed 31405128 (cited by Labcorp Genetics (formerly Invitae), Labcorp).